The following continues an entry in ClinVar:

NM_000258.3(MYL3):c.170C>G (p.Ala57Gly)

Gene: MYL3. ClinVar aggregate classification (germline): Uncertain significance. Uncertain significance (1).

Submissions 19 to 22 of 22:

Human Genome Sequencing Center Clinical Lab, Baylor College of Medicine
Classification: Pathogenic for Hypertrophic cardiomyopathy 8. Last evaluated: 2017-04-10. Review status: criteria provided, single submitter. Criteria: ACMG Guidelines, 2015. Collection method: clinical testing. Allele origin: germline. Not counted in ClinVar's aggregate classification.
Comment: This c.170C>G (p.Ala57Gly) variant has previously been detected in several patients and families with hypertrophic cardiomyopathy [PMID 11174330, 20641121]. The penetrance of the disorder was estimated between 63 and 78% in carriers over 18 years of age [PMID 11174330, 20641121]. In vitro assays showed that the mutant protein has reduced binding affinity to myosin [PMID 22131351]. Transgenic mice expressing the mutant allele showed hypertrophic cardiomyopathy, consistent with the human phenotype [PMID 23748425]. This variant has been reported in 11 heterozygous individuals from the ExAC database. This variant is conserved in mammals. Computer based prediction algorithms (SIFT and Polyphen-2) yield discordant results regarding the pathogenicity of this change. Nevertheless, based on reported patients and functional data, this variant is classified as pathogenic. Pathogenic variants in the MYL3 gene are considered medically actionable [ACMG59, PMID 27854360].

Center for Human Genetics, University of Leuven
Classification: Pathogenic for Hypertrophic cardiomyopathy. Last evaluated: 2017-02-09. Review status: criteria provided, single submitter. Criteria: ACMG Guidelines, 2015. Collection method: clinical testing. Allele origin: germline. Inheritance: Autosomal dominant inheritance. Affected: yes. Observed: 2 variant alleles. Not counted in ClinVar's aggregate classification.
Comment: ACMG score pathogenic

Juno Genomics, Hangzhou Juno Genomics, Inc
Classification: Likely pathogenic for Hypertrophic cardiomyopathy 8. Review status: criteria provided, single submitter. Criteria: ACMG Guidelines, 2015. Collection method: clinical testing. Allele origin: germline. Not counted in ClinVar's aggregate classification.
Comment: Absent from controls (or at extremely low frequency if recessive) in Genome Aggregation Database.;Well-established in vitro or in vivo functional studies supportive of a damaging effect on the gene or gene product.;The prevalence of the variant in affected individuals is significantly increased compared to the prevalence in controls.;Co-segregation with disease in multiple affected family members.;Patient's phenotype or family history is highly specific for a disease with a single genetic etiology.

Leiden Muscular Dystrophy (MYL3)
No classification provided. Last evaluated: 2012-03-18. Review status: no classification provided. Collection method: curation. Allele origin: unknown, germline. Not counted in ClinVar's aggregate classification.

Literature cited by the submitters: PubMed 20641121 (cited by 10 submitters); PubMed 23748425 (cited by 9 submitters); PubMed 27532257 (cited by 5 submitters); PubMed 11174330 (cited by 10 submitters); PubMed 22131351 (cited by 8 submitters); PubMed 29121657 (cited by 9 submitters); PubMed 28193612 (cited by 3 submitters); PubMed 31513939 (cited by 4 submitters); PubMed 32380161 (cited by Labcorp Genetics (formerly Invitae), Labcorp and Women's Health and Genetics/Laboratory Corporation of America, LabCorp); PubMed 33407484 (cited by Labcorp Genetics (formerly Invitae), Labcorp and AiLife Diagnostics); PubMed 21885653 (cited by 4 submitters); PubMed 27831900 (cited by 5 submitters); PubMed 29914921 (cited by 5 submitters); PubMed 32492895 (cited by 4 submitters); PubMed 30105547 (cited by Color Diagnostics, LLC DBA Color Health and All of Us Research Program, National Institutes of Health); PubMed 32034976 (cited by Color Diagnostics, LLC DBA Color Health and All of Us Research Program, National Institutes of Health); PubMed 33495596 (cited by Color Diagnostics, LLC DBA Color Health and All of Us Research Program, National Institutes of Health); PubMed 35626289 (cited by 3 submitters); PubMed 38757491 (cited by Color Diagnostics, LLC DBA Color Health); PubMed 39681577 (cited by Color Diagnostics, LLC DBA Color Health); PubMed 26385864 (cited by 4 submitters); PubMed 12021217 (cited by Victorian Clinical Genetics Services, Murdoch Childrens Research Institute); PubMed 31110529 (cited by Victorian Clinical Genetics Services, Murdoch Childrens Research Institute); PubMed 33288880 (cited by Victorian Clinical Genetics Services, Murdoch Childrens Research Institute); PubMed 17142342 (cited by Ambry Genetics); PubMed 24911555 (cited by Ambry Genetics and Women's Health and Genetics/Laboratory Corporation of America, LabCorp); PubMed 25856671 (cited by 4 submitters); PubMed 27153395 (cited by 3 submitters); PubMed 28518168 (cited by 3 submitters); PubMed 29669825 (cited by Ambry Genetics); PubMed 31447099 (cited by Ambry Genetics and AiLife Diagnostics); PubMed 32686758 (cited by AiLife Diagnostics); PubMed 33726816 (cited by AiLife Diagnostics); PubMed 33087929 (cited by AiLife Diagnostics); PubMed 28241245 (cited by Women's Health and Genetics/Laboratory Corporation of America, LabCorp).